The following is an entry in ClinVar:

ClinVar aggregate classification (germline): Uncertain significance (1 of 4 stars; one submission).

Allele frequency attached by ClinVar (database versions not stated): TOPMed below 0.00001.
gnomAD v4.1: 5 of 1,614,130 alleles (0.00031%); highest among the groups gnomAD compares: Non-Finnish European, 0.00042%; no homozygotes.

Submission:

Labcorp Genetics (formerly Invitae), Labcorp
Classification: Uncertain significance. Last evaluated: 2021-05-01. Review status: criteria provided, single submitter. Criteria: Invitae Variant Classification Sherloc (09022015). Collection method: clinical testing. Allele origin: germline.
Comment: This sequence change replaces arginine with leucine at codon 479 of the PKLR protein (p.Arg479Leu). The arginine residue is highly conserved and there is a moderate physicochemical difference between arginine and leucine. This variant also falls at the last nucleotide of exon 9, which is part of the consensus splice site for this exon. This variant is not present in population databases (ExAC no frequency). This variant has been observed in individual(s) with pyruvate kinase deficiency (Invitae). Algorithms developed to predict the effect of missense changes on protein structure and function are either unavailable or do not agree on the potential impact of this missense change (SIFT: "Tolerated"; PolyPhen-2: "Possibly Damaging"; Align-GVGD: "Class C0"). In summary, the available evidence is currently insufficient to determine the role of this variant in disease. Therefore, it has been classified as a Variant of Uncertain Significance. This variant disrupts the c.1436G nucleotide in the PKLR gene. Other variant(s) that disrupt this nucleotide have been determined to be pathogenic (PMID: 15059150, 8161798). This suggests that this nucleotide is clinically significant, and that variants that disrupt this position are likely to be disease-causing. Nucleotide substitutions within the consensus splice site are a relatively common cause of aberrant splicing (PMID: 17576681, 9536098). Algorithms developed to predict the effect of sequence changes on RNA splicing suggest that this variant may disrupt the consensus splice site, but this prediction has not been confirmed by published transcriptional studies.

Literature cited by the submitters: PubMed 15059150; PubMed 8161798; PubMed 17576681; PubMed 9536098.

NM_000298.6(PKLR):c.1436G>T (p.Arg479Leu)

Gene: PKLR (pyruvate kinase L/R; minus strand). Cytogenetic location: 1q22.
Variant type: single nucleotide variant.
Coding change: c.1436G>T on transcript NM_000298.6 (MANE Select); coding-DNA position 1436, G replaced by T.
Protein change: p.Arg479Leu; replaces arginine 479 with leucine.
Molecular consequence: missense variant.
Genome position (GRCh38, 1-based): chr1:155,293,177, C>A on the plus strand (G>T on the coding strand, the complement: PKLR is on the minus strand). VCF-style: chr1-155293177-C-A. GRCh37 (hg19) VCF-style: chr1-155262968-C-A.
Other names: c.1343G>T, p.Arg448Leu (NM_181871.4); short protein forms R448L, R479L.
Identifiers: ClinVar variation 1350449 (VCV001350449.8), dbSNP rs118204085, ClinGen allele CA342751498.
Genomic context (GRCh38, chr1:155,293,177, plus strand): 5'-CCCGTCCCAGCCCACCCCTGACCCAAAGCTCCATCTGGACATTCCCAATATCCCCCTCAC[C>A]GGCCAGTTGTGGTCAGCACAATGATGGCAGCAGCACAGCACTTGAAGGCAGCCTCCACAG-3'
Protein context (NP_000289.1, residues 469-489): AAIIVLTTTG[Arg479Leu]SAQLLSRYRP